The following is an entry in ClinVar:

ClinVar aggregate classification (germline): Likely pathogenic (1 of 4 stars; one submission).

Conditions:
Ehlers-Danlos syndrome, type 4 (EDSVASC). Also called: Ehlers-Danlos syndrome vascular type; Ehlers Danlos syndrome, ecchymotic type; Ehlers Danlos syndrome, arterial type; Ehlers Danlos syndrome, Sack-Barabas type; Ehlers-Danlos Syndrome Type IV. Identifiers: Orphanet 286, MedGen C0268338, MONDO:0017314, OMIM 130050.

Submission:

Labcorp Genetics (formerly Invitae), Labcorp
Classification: Likely pathogenic for Ehlers-Danlos syndrome, type 4. Last evaluated: 2024-10-21. Review status: criteria provided, single submitter. Criteria: Invitae Variant Classification Sherloc (09022015). Collection method: clinical testing. Allele origin: germline.
Comment: This sequence change replaces glycine, which is neutral and non-polar, with arginine, which is basic and polar, at codon 876 of the COL3A1 protein (p.Gly876Arg). This variant is not present in population databases (gnomAD no frequency). This variant has not been reported in the literature in individuals affected with COL3A1-related conditions. Invitae Evidence Modeling of protein sequence and biophysical properties (such as structural, functional, and spatial information, amino acid conservation, physicochemical variation, residue mobility, and thermodynamic stability) indicates that this missense variant is expected to disrupt COL3A1 protein function with a positive predictive value of 95%. This variant disrupts the triple helix domain of COL3A1. Glycine residues within the Gly-Xaa-Yaa repeats of the triple helix domain are required for the structure and stability of fibrillar collagens (PMID: 7695699, 8218237, 19344236). In COL3A1, variants that affect these glycine residues are significantly enriched in individuals with disease (PMID: 24922459, 25758994) compared to the general population (ExAC). In summary, the currently available evidence indicates that the variant is pathogenic, but additional data are needed to prove that conclusively. Therefore, this variant has been classified as Likely Pathogenic.

Literature cited by the submitters: PubMed 7695699; PubMed 8218237; PubMed 19344236; PubMed 24922459; PubMed 25758994.

NM_000090.4(COL3A1):c.2626G>C (p.Gly876Arg)

Gene: COL3A1 (collagen type III alpha 1 chain; plus strand). Cytogenetic location: 2q32.2.
Variant type: single nucleotide variant.
Coding change: c.2626G>C on transcript NM_000090.4 (MANE Select); coding-DNA position 2626, G replaced by C.
Protein change: p.Gly876Arg; replaces glycine 876 with arginine.
Molecular consequence: missense variant.
Genome position (GRCh38, 1-based): chr2:189,003,752, G>C. VCF-style: chr2-189003752-G-C. GRCh37 (hg19) VCF-style: chr2-189868478-G-C.
Other names: short protein forms G876R.
Identifiers: ClinVar variation 3630427 (VCV003630427.2).